The following is an entry in ClinVar:

NM_001701.4(BAAT):c.670-8T>G

Gene: BAAT (bile acid-CoA:amino acid N-acyltransferase; minus strand). Cytogenetic location: 9q31.1.
Variant type: single nucleotide variant.
Coding change: c.670-8T>G on transcript NM_001701.4 (MANE Select); 8 bases into the intron before coding-DNA position 670, T replaced by G.
Molecular consequence: intron variant.
Genome position (GRCh38, 1-based): chr9:101,363,023, A>C on the plus strand (T>G on the coding strand, the complement: BAAT is on the minus strand). VCF-style: chr9-101363023-A-C. GRCh37 (hg19) VCF-style: chr9-104125305-A-C.
Other names: c.670-8T>G (NM_001374715.1, NM_001127610.2).
Identifiers: ClinVar variation 4990484 (VCV004990484.1).

ClinVar aggregate classification (germline): Likely benign (1 of 4 stars; one submission).

Conditions:
BAAT-related disorder. Also called: BAAT-related condition.

Submission:

PreventionGenetics, part of Exact Sciences
Classification: Likely benign for BAAT-related condition. Last evaluated: 2026-04-20. Review status: criteria provided, single submitter. Criteria: ACMG Guidelines, 2015. Collection method: clinical testing. Allele origin: germline.
Comment: This variant is classified as likely benign based on ACMG/AMP sequence variant interpretation guidelines (Richards et al. 2015 PMID: 25741868, with internal and published modifications).